The following is an entry in ClinVar:

ClinVar aggregate classification (germline): Uncertain significance. Review status: criteria provided, multiple submitters, no conflicts (2 of 4 stars). 2 submissions from 2 submitters: Uncertain significance (2). Last evaluated 2022-07-16.

Conditions:
Inborn genetic diseases. Identifiers: MedGen C0950123, MeSH D030342.
Charcot-Marie-Tooth disease type 4. Also called: Charcot-Marie-Tooth, Type 4; Charcot-Marie-Tooth disease, type IV. Identifiers: Orphanet 64749, MedGen C4082197, MONDO:0018995.

Allele frequency attached by ClinVar (database versions not stated): ExAC 0.00001; gnomAD exomes 0.00001 and 0.00003; gnomAD 0.00003; TOPMed 0.00003.
gnomAD v4.1: 53 of 1,613,152 alleles (0.0033%); highest among the groups gnomAD compares: Non-Finnish European, 0.0044%; no homozygotes.

Submissions (2):

Ambry Genetics
Classification: Uncertain significance for Inborn genetic diseases. Last evaluated: 2022-07-16. Review status: criteria provided, single submitter. Criteria: Ambry Variant Classification Scheme 2023. Collection method: clinical testing. Allele origin: germline.
Comment: The p.A522T variant (also known as c.1564G>A), located in coding exon 11 of the FGD4 gene, results from a G to A substitution at nucleotide position 1564. The alanine at codon 522 is replaced by threonine, an amino acid with similar properties. This amino acid position is conserved. In addition, this alteration is predicted to be tolerated by in silico analysis. Since supporting evidence is limited at this time, the clinical significance of this alteration remains unclear.

Labcorp Genetics (formerly Invitae), Labcorp
Classification: Uncertain significance for Charcot-Marie-Tooth disease type 4. Last evaluated: 2022-05-06. Review status: criteria provided, single submitter. Criteria: Invitae Variant Classification Sherloc (09022015). Collection method: clinical testing. Allele origin: germline.
Comment: In summary, the available evidence is currently insufficient to determine the role of this variant in disease. Therefore, it has been classified as a Variant of Uncertain Significance. Algorithms developed to predict the effect of missense changes on protein structure and function are either unavailable or do not agree on the potential impact of this missense change (SIFT: "Deleterious"; PolyPhen-2: "Benign"; Align-GVGD: "Class C55"). ClinVar contains an entry for this variant (Variation ID: 950353). This variant has not been reported in the literature in individuals affected with FGD4-related conditions. This variant is present in population databases (rs750531320, gnomAD 0.002%). This sequence change replaces alanine, which is neutral and non-polar, with threonine, which is neutral and polar, at codon 522 of the FGD4 protein (p.Ala522Thr).

NM_001370298.3(FGD4):c.1975G>A (p.Ala659Thr)

Gene: FGD4 (FYVE, RhoGEF and PH domain containing 4; plus strand). Cytogenetic location: 12p11.21.
Variant type: single nucleotide variant.
Coding change: c.1975G>A on transcript NM_001370298.3 (MANE Select); coding-DNA position 1975, G replaced by A.
Protein change: p.Ala659Thr; replaces alanine 659 with threonine.
Molecular consequence: missense variant.
Genome position (GRCh38, 1-based): chr12:32,624,997, G>A. VCF-style: chr12-32624997-G-A. GRCh37 (hg19) VCF-style: chr12-32777931-G-A.
Other names: c.1564G>A (NM_139241.2); c.1819G>A, p.Ala607Thr (NM_001304481.2); c.820G>A, p.Ala274Thr (NM_001304483.2); c.532G>A, p.Ala178Thr (NM_001304484.2); c.1285G>A, p.Ala429Thr (NM_001330373.2, NM_001330374.2, NM_001384130.1); c.1012G>A, p.Ala338Thr (NM_001370297.1); c.1975G>A, p.Ala659Thr (NM_001384126.1); c.1564G>A, p.Ala522Thr (NM_001384127.1, NM_001384128.1, NM_001385118.1 and 1 more transcripts); short protein forms A178T, A429T, A522T, A274T, A338T, A607T, A659T.
Identifiers: ClinVar variation 950353 (VCV000950353.9), dbSNP rs750531320, ClinGen allele CA6506960.
Genomic context (GRCh38, chr12:32,624,997, plus strand): 5'-AAACTTTAATGTGTGCTTTGAATTTTACTTATACTTTAGGCCCTTCAAGAAACCATCGAT[G>A]CTTTTCATCAAAGGCATGAAACCTTCAGAAATGCAATTGCAAAGGATAATGACATTCACT-3'
Protein context (NP_001357227.2, residues 649-669): WIKALQETID[Ala659Thr]FHQRHETFRN